The following is an entry in ClinVar:

NM_001281740.3(FHOD3):c.962C>T (p.Ala321Val)

Gene: FHOD3 (formin homology 2 domain containing 3; plus strand). Cytogenetic location: 18q12.2.
Variant type: single nucleotide variant.
Coding change: c.962C>T on transcript NM_001281740.3 (MANE Select); coding-DNA position 962, C replaced by T.
Protein change: p.Ala321Val; replaces alanine 321 with valine.
Molecular consequence: missense variant.
Genome position (GRCh38, 1-based): chr18:36,625,515, C>T. VCF-style: chr18-36625515-C-T. GRCh37 (hg19) VCF-style: chr18-34205478-C-T.
Other names: c.962C>T, p.Ala321Val (NM_001281739.3, NM_025135.5); c.962C>T (NM_001281740.2); short protein forms A321V.
Identifiers: ClinVar variation 4278229 (VCV004278229.2).
Genomic context (GRCh38, chr18:36,625,515, plus strand): 5'-GGTCTGTGAAAGGATGCCAAGCCTGACCTTGCACTGGGCGTGCTCTGCTTTTCCAGGTGG[C>T]GCTCAGGCACGAGGATGGCGATGAGACCACGGAGCCACCCCCCAGTGGGTGCCGGGACCG-3'
Protein context (NP_001268669.1, residues 311-331): LVEQLNIYEV[Ala321Val]LRHEDGDETT

ClinVar aggregate classification (germline): Uncertain significance. Review status: criteria provided, multiple submitters, no conflicts (2 of 4 stars). 2 submissions from 2 submitters: Uncertain significance (2). Last evaluated 2026-07-15.

Conditions:
FHOD3-related disorder. Also called: FHOD3-related condition.
Cardiomyopathy, familial hypertrophic, 28. Identifiers: MedGen C5543616, MONDO:0030317, OMIM 619402.

gnomAD v4.1: 79 of 1,416,998 alleles (0.0056%); highest among the groups gnomAD compares: South Asian, 0.0081%; no homozygotes.

Submissions (2):

PreventionGenetics, part of Exact Sciences
Classification: Uncertain significance for FHOD3-related condition. Last evaluated: 2026-07-15. Review status: criteria provided, single submitter. Criteria: ACMG Guidelines, 2015. Collection method: clinical testing. Allele origin: germline.
Comment: The FHOD3 c.962C>T variant is predicted to result in the amino acid substitution p.Ala321Val. This variant has been reported in an individual with hypertrophic cardiomyopathy (Ochoa et al. 2018. PubMed ID: 30442288). This variant is reported in 0.010% of alleles in individuals of African descent in gnomAD. At this time, the clinical significance of this variant is uncertain due to the absence of conclusive functional and genetic evidence.

Genomic Medicine Center of Excellence, King Faisal Specialist Hospital and Research Centre
Classification: Uncertain significance for Cardiomyopathy, familial hypertrophic, 28. Last evaluated: 2025-09-10. Review status: criteria provided, single submitter. Criteria: ACMG Guidelines, 2015. Collection method: clinical testing. Allele origin: germline.